The following is an entry in ClinVar:

NM_000553.6(WRN):c.1712_1714delinsGAACTGCTGTACCAGAAGTA (p.Met571fs)

Gene: WRN (WRN RecQ like helicase; plus strand). Cytogenetic location: 8p12.
Variant type: Indel.
Coding change: c.1712_1714delinsGAACTGCTGTACCAGAAGTA on transcript NM_000553.6 (MANE Select); coding-DNA positions 1712 to 1714, TGG replaced by GAACTGCTGTACCAGAAGTA.
Protein change: p.Met571fs; shifts the reading frame from methionine 571.
Molecular consequence: frameshift variant.
Genome position (GRCh38, 1-based): chr8:31,090,524-31,090,526, TGG replaced by GAACTGCTGTACCAGAAGTA. VCF-style: chr8-31090524-TGG-GAACTGCTGTACCAGAAGTA. GRCh37 (hg19) VCF-style: chr8-30948040-TGG-GAACTGCTGTACCAGAAGTA.
Other names: short protein forms M571fs.
Identifiers: ClinVar variation 5007301 (VCV005007301.2).

ClinVar aggregate classification (germline): Likely pathogenic (1 of 4 stars; one submission).

Conditions:
Werner syndrome (WRN). Identifiers: Orphanet 902, MedGen C0043119, MONDO:0010196, OMIM 277700.

Submission:

Juno Genomics, Hangzhou Juno Genomics, Inc
Classification: Likely pathogenic for Werner syndrome. Review status: criteria provided, single submitter. Criteria: ACMG Guidelines, 2015. Collection method: clinical testing. Allele origin: germline.
Comment: Null variant in a gene where loss of function (LOF) is a known mechanism of disease.;Absent from controls (or at extremely low frequency if recessive) in Genome Aggregation Database.